The following is an entry in ClinVar:

ClinVar aggregate classification (germline): Conflicting classifications of pathogenicity. Review status: criteria provided, conflicting classifications (1 of 4 stars). 8 submissions from 8 submitters: Uncertain significance (1); Benign (1); Likely benign (6). Last evaluated 2026-04-01.

Conditions:
Cardiovascular phenotype. Identifiers: MedGen CN230736.
Dilated cardiomyopathy 1G (CMD1G). Identifiers: Orphanet 154, MedGen C1858763, MONDO:0011400, OMIM 604145.
Autosomal recessive limb-girdle muscular dystrophy type 2J (LGMDR10). Also called: MUSCULAR DYSTROPHY, LIMB-GIRDLE, AUTOSOMAL RECESSIVE 10; Limb-girdle muscular dystrophy, type 2J. Identifiers: Orphanet 140922, MedGen C1837342, MONDO:0012127, OMIM 608807.
Cardiomyopathy (CMYO). Also called: Cardiomyopathies. Identifiers: Orphanet 167848, MedGen C0878544, MONDO:0004994, HP:0001638. Inheritance: Various modes of inheritance.

Allele frequency attached by ClinVar (database versions not stated): ExAC 0.00011; gnomAD 0.00014 and 0.00015; TOPMed 0.00015; gnomAD exomes 0.00016 and 0.00008; ESP Exome Variant Server 0.00017.
gnomAD v4.1: 261 of 1,612,228 alleles (0.016%); highest among the groups gnomAD compares: Non-Finnish European, 0.021%; no homozygotes.

Submissions (8):

CeGaT Center for Human Genetics Tuebingen
Classification: Likely benign. Last evaluated: 2026-04-01. Review status: criteria provided, single submitter. Criteria: CeGaT Center For Human Genetics Tuebingen Variant Classification Criteria Version 2. Collection method: clinical testing. Allele origin: germline. Affected: yes. Observed: 1 variant allele.
Comment: TTN: BP4, BP7

Labcorp Genetics (formerly Invitae), Labcorp
Classification: Likely benign for Dilated cardiomyopathy 1G; Autosomal recessive limb-girdle muscular dystrophy type 2J. Last evaluated: 2026-02-01. Review status: criteria provided, single submitter. Criteria: Invitae Variant Classification Sherloc (09022015). Collection method: clinical testing. Allele origin: germline.

Mayo Clinic Laboratories, Mayo Clinic
Classification: Likely benign. Last evaluated: 2025-07-23. Review status: criteria provided, single submitter. Criteria: ACMG Guidelines, 2015. Collection method: clinical testing. Allele origin: germline. Observed: 2 variant alleles.
Comment: BP4, BP7

Blueprint Genetics
Classification: Likely benign. Last evaluated: 2024-06-26. Review status: criteria provided, single submitter. Criteria: ACMG Guidelines, 2015. Collection method: clinical testing. Allele origin: germline.

CHEO Genetics Diagnostic Laboratory, Children's Hospital of Eastern Ontario
Classification: Likely benign for Cardiomyopathy. Last evaluated: 2021-06-07. Review status: criteria provided, single submitter. Criteria: ACMG Guidelines, 2015. Collection method: clinical testing. Allele origin: germline.

Ambry Genetics
Classification: Likely benign for Cardiovascular phenotype. Last evaluated: 2019-08-01. Review status: criteria provided, single submitter. Criteria: Ambry Variant Classification Scheme 2023. Collection method: clinical testing. Allele origin: germline.

Eurofins Ntd Llc (ga)
Classification: Uncertain significance. Last evaluated: 2017-01-05. Review status: criteria provided, single submitter. Criteria: EGL Classification Definitions 2015. Collection method: clinical testing. Allele origin: germline. Observed: 3 variant alleles, 3 heterozygotes.

GeneDx
Classification: Benign. Last evaluated: 2014-10-22. Review status: criteria provided, single submitter. Criteria: GeneDx Variant Classification (06012015). Collection method: clinical testing. Allele origin: germline. Affected: yes.
Comment: This variant is considered likely benign or benign based on one or more of the following criteria: it is a conservative change, it occurs at a poorly conserved position in the protein, it is predicted to be benign by multiple in silico algorithms, and/or has population frequency not consistent with disease.

NM_001267550.2(TTN):c.48624T>C (p.Pro16208=)

Genes: TTN (titin; minus strand), TTN-AS1 (TTN antisense RNA 1; plus strand). Cytogenetic location: 2q31.2.
Variant type: single nucleotide variant.
Coding change: c.48624T>C on transcript NM_001267550.2 (MANE Select); coding-DNA position 48624, T replaced by C.
Protein change: p.Pro16208=; no amino-acid change (proline 16208 retained).
Molecular consequence: synonymous variant.
Genome position (GRCh38, 1-based): chr2:178,615,321, A>G on the plus strand (T>C on the coding strand, the complement: TTN is on the minus strand). VCF-style: chr2-178615321-A-G. GRCh37 (hg19) VCF-style: chr2-179480048-A-G.
Other names: p.P14567P:CCT>CCC; p.Pro14567=; c.43701T>C, p.Pro14567= (NM_001256850.1); c.21429T>C, p.Pro7143= (NM_003319.4); c.40920T>C, p.Pro13640= (NM_133378.4); c.21804T>C, p.Pro7268= (NM_133432.3); c.22005T>C, p.Pro7335= (NM_133437.4).
Identifiers: ClinVar variation 202269 (VCV000202269.23), dbSNP rs72677240, ClinGen allele CA308939.